The following is an entry in ClinVar:

ClinVar aggregate classification (germline): Benign/Likely benign. Review status: criteria provided, multiple submitters, no conflicts (2 of 4 stars). 4 submissions from 4 submitters: Benign (2); Likely benign (1). 1 of the submissions does not count toward it. Last evaluated 2024-11-27.

Conditions:
SLC6A5-related disorder. Also called: SLC6A5-related condition.

Allele frequency attached by ClinVar (database versions not stated): 1000 Genomes Project 0.14077; 1000 Genomes Project 30x 0.14647; gnomAD exomes 0.17680 and 0.19742; ExAC 0.18331; gnomAD 0.20946 and 0.21907; TOPMed 0.21416; ESP Exome Variant Server 0.22974.
gnomAD v4.1: 319,324 of 1,613,240 alleles (20%); highest among the groups gnomAD compares: African/African-American, 27%; 33,964 homozygotes.

Submissions (4):

Blueprint Genetics
Classification: Likely benign. Last evaluated: 2024-11-27. Review status: criteria provided, single submitter. Criteria: ACMG Guidelines, 2015. Collection method: clinical testing. Allele origin: germline.

GeneDx
Classification: Benign. Last evaluated: 2019-08-22. Review status: criteria provided, single submitter. Criteria: GeneDx Variant Classification Process June 2021. Collection method: clinical testing. Allele origin: germline. Affected: yes.

Breakthrough Genomics
Classification: Benign. Review status: criteria provided, single submitter. Criteria: ACMG Guidelines, 2015. Collection method: not provided. Allele origin: germline. Inheritance: Autosomal dominant inheritance. Affected: yes.

PreventionGenetics, part of Exact Sciences
Classification: Benign for SLC6A5-related condition. Last evaluated: 2019-08-28. Review status: no assertion criteria provided. Collection method: clinical testing. Allele origin: germline. Not counted in ClinVar's aggregate classification.
Comment: This variant is classified as benign based on ACMG/AMP sequence variant interpretation guidelines (Richards et al. 2015 PMID: 25741868, with internal and published modifications).

NM_004211.5(SLC6A5):c.*3C>T

Gene: SLC6A5 (solute carrier family 6 member 5; plus strand). Cytogenetic location: 11p15.1.
Variant type: single nucleotide variant.
Coding change: c.*3C>T on transcript NM_004211.5 (MANE Select); 3 bases downstream of the stop codon, C replaced by T.
Molecular consequence: 3 prime UTR variant.
Genome position (GRCh38, 1-based): chr11:20,654,871, C>T. VCF-style: chr11-20654871-C-T. GRCh37 (hg19) VCF-style: chr11-20676417-C-T.
Other names: c.*3C>T (NM_001318369.2, NM_004211.4).
Identifiers: ClinVar variation 304043 (VCV000304043.11), dbSNP rs1401793, ClinGen allele CA5921786.